The following is an entry in ClinVar:

NM_007347.5(AP4E1):c.1021A>C (p.Ile341Leu)

Gene: AP4E1 (adaptor related protein complex 4 subunit epsilon 1; plus strand). Cytogenetic location: 15q21.2.
Variant type: single nucleotide variant.
Coding change: c.1021A>C on transcript NM_007347.5 (MANE Select); coding-DNA position 1021, A replaced by C.
Protein change: p.Ile341Leu; replaces isoleucine 341 with leucine.
Molecular consequence: missense variant.
Genome position (GRCh38, 1-based): chr15:50,941,519, A>C. VCF-style: chr15-50941519-A-C. GRCh37 (hg19) VCF-style: chr15-51233716-A-C.
Other names: c.796A>C, p.Ile266Leu (NM_001252127.2); short protein forms I266L, I341L.
Identifiers: ClinVar variation 1310206 (VCV001310206.2), dbSNP rs1311207258, ClinGen allele CA392416722.

ClinVar aggregate classification (germline): Uncertain significance (1 of 4 stars; one submission).

Submission:

GeneDx
Classification: Uncertain significance. Last evaluated: 2019-11-13. Review status: criteria provided, single submitter. Criteria: GeneDx Variant Classification Process June 2021. Collection method: clinical testing. Allele origin: germline. Affected: yes.
Comment: Not observed in large population cohorts (Lek et al., 2016); In silico analysis, which includes protein predictors and evolutionary conservation, supports that this variant does not alter protein structure/function; Has not been previously published as pathogenic or benign to our knowledge